The following is an entry in ClinVar:

NM_015570.4(AUTS2):c.2027A>G (p.His676Arg)

Gene: AUTS2 (activator of transcription and developmental regulator AUTS2; plus strand). Cytogenetic location: 7q11.22.
Variant type: single nucleotide variant.
Coding change: c.2027A>G on transcript NM_015570.4 (MANE Select); coding-DNA position 2027, A replaced by G.
Protein change: p.His676Arg; replaces histidine 676 with arginine.
Molecular consequence: missense variant.
Genome position (GRCh38, 1-based): chr7:70,781,637, A>G. VCF-style: chr7-70781637-A-G. GRCh37 (hg19) VCF-style: chr7-70246623-A-G.
Other names: c.1955A>G, p.His652Arg (NM_001127231.3); short protein forms H652R, H676R.
Identifiers: ClinVar variation 2446236 (VCV002446236.1), dbSNP rs2484861267, ClinGen allele CA367663044.

ClinVar aggregate classification (germline): Uncertain significance (1 of 4 stars; one submission).

gnomAD v4.1: 2 of 1,614,118 alleles (0.00012%); highest among the groups gnomAD compares: Non-Finnish European, 0.00017%; no homozygotes.

Submission:

GeneDx
Classification: Uncertain significance. Last evaluated: 2022-09-22. Review status: criteria provided, single submitter. Criteria: GeneDx Variant Classification Process June 2021. Collection method: clinical testing. Allele origin: germline. Affected: yes.
Comment: Not observed at significant frequency in large population cohorts (gnomAD); In silico analysis supports that this missense variant has a deleterious effect on protein structure/function; Has not been previously published as pathogenic or benign to our knowledge